The following is an entry in ClinVar:

NM_004006.3(DMD):c.2276T>G (p.Leu759Ter)

Gene: DMD (dystrophin; minus strand). Cytogenetic location: Xp21.1.
Variant type: single nucleotide variant.
Coding change: c.2276T>G on transcript NM_004006.3 (MANE Select); coding-DNA position 2276, T replaced by G.
Protein change: p.Leu759Ter; replaces leucine 759 with a stop codon.
Molecular consequence: nonsense.
Genome position (GRCh38, 1-based): chrX:32,518,024, A>C on the plus strand (T>G on the coding strand, the complement: DMD is on the minus strand). VCF-style: chrX-32518024-A-C. GRCh37 (hg19) VCF-style: chrX-32536141-A-C.
Other names: c.2252T>G, p.Leu751Ter (NM_000109.4); c.2264T>G, p.Leu755Ter (NM_004009.3); c.1907T>G, p.Leu636Ter (NM_004010.3); short protein forms L636*, L751*, L755*, L759*.
Identifiers: ClinVar variation 1322352 (VCV001322352.7), dbSNP rs1060502627, ClinGen allele CA412663700.
Genomic context (GRCh38, chrX:32,518,024, plus strand): 5'-CAGCACAAAATGAGTACAGATATAAAAATTAATGCATAACCTACATTGACTTTTTCTTTT[A>C]AGTCTGAGAAGTTGCCTTCCTTCCGAAAGATTGCAAATTCAGGACTCTGCAACACAGCTT-3'

ClinVar aggregate classification (germline): Pathogenic (1 of 4 stars; one submission).

Conditions:
Duchenne muscular dystrophy (DMD). Also called: MUSCULAR DYSTROPHY, PSEUDOHYPERTROPHIC PROGRESSIVE, DUCHENNE TYPE; Duchenne Muscular Dystrophy (DMD). Identifiers: Orphanet 98896, MedGen C0013264, MONDO:0010679, OMIM 310200.

Submission:

Labcorp Genetics (formerly Invitae), Labcorp
Classification: Pathogenic for Duchenne muscular dystrophy. Last evaluated: 2021-10-03. Review status: criteria provided, single submitter. Criteria: Invitae Variant Classification Sherloc (09022015). Collection method: clinical testing. Allele origin: germline.
Comment: This sequence change creates a premature translational stop signal (p.Leu759*) in the DMD gene. It is expected to result in an absent or disrupted protein product. Loss-of-function variants in DMD are known to be pathogenic (PMID: 16770791, 25007885). This variant is not present in population databases (ExAC no frequency). This premature translational stop signal has been observed in individual(s) with Duchenne muscular dystrophy (PMID: 11257468, 19783145). This variant is also known as c.2484T>G. For these reasons, this variant has been classified as Pathogenic.

Literature cited by the submitters: PubMed 16770791; PubMed 25007885; PubMed 11257468; PubMed 19783145.